The following is an entry in ClinVar:

NM_015215.4(CAMTA1):c.2540A>G (p.His847Arg)

Gene: CAMTA1 (calmodulin binding transcription activator 1; plus strand). Cytogenetic location: 1p36.23.
Variant type: single nucleotide variant.
Coding change: c.2540A>G on transcript NM_015215.4 (MANE Select); coding-DNA position 2540, A replaced by G.
Protein change: p.His847Arg; replaces histidine 847 with arginine.
Molecular consequence: missense variant.
Genome position (GRCh38, 1-based): chr1:7,665,087, A>G. VCF-style: chr1-7665087-A-G. GRCh37 (hg19) VCF-style: chr1-7725147-A-G.
Other names: c.2450A>G, p.His817Arg (NM_001349608.2, NM_001349612.2); c.2540A>G, p.His847Arg (NM_001349609.2, NM_001349610.2, NM_001410737.1); c.2468A>G, p.His823Arg (NM_001410738.1); short protein forms H817R, H823R, H847R.
Identifiers: ClinVar variation 4759212 (VCV004759212.1).
Genomic context (GRCh38, chr1:7,665,087, plus strand): 5'-AGCAGGGTAGCCTGCAGCTGAGCAGCTCGGAGGGCGGGGCCAGCACCATGGCCTACATGC[A>G]CGTCGCCGAGGTGGTCTCGGCCGCCTCGGCCCAGGGCACCCTAGGCATGCTGCAGCAGAG-3'
Protein context (NP_056030.1, residues 837-857): EGGASTMAYM[His847Arg]VAEVVSAASA

ClinVar aggregate classification (germline): Likely benign (1 of 4 stars; one submission).

Conditions:
Cerebellar dysfunction with variable cognitive and behavioral abnormalities (CECBA). Also called: Nonprogressive cerebellar atxia with intellectual disability. Identifiers: Orphanet 314647, MedGen C3553661, MONDO:0013886, OMIM 614756.

Submission:

Centre for Medical Genetics,  Mumbai
Classification: Likely benign for Cerebellar dysfunction with variable cognitive and behavioral abnormalities. Last evaluated: 2026-02-09. Review status: criteria provided, single submitter. Criteria: ACMG Guidelines, 2015. Collection method: provider interpretation. Allele origin: germline. Inheritance: Autosomal dominant inheritance. Affected: no. Observed: 1 heterozygote.
Comment: The variant satisfies PM2 criteria; Extremely low frequency in gnomAD population databases. The variant satisfies PP2 criteria; Missense variant in a gene with low rate of benign missense mutations and for which missense mutation is a common mechanism of a disease. However, the variant satisfies BS2 criteria.

Literature cited by the submitters: PubMed 22693284.